The following is an entry in ClinVar:

ClinVar aggregate classification (germline): Uncertain significance (1 of 4 stars; one submission).

Conditions:
CHARGE syndrome (CHARGE). Also called: Hittner Hirsch Kreh syndrome; CHARGE ASSOCIATION--COLOBOMA, HEART ANOMALY, CHOANAL ATRESIA, RETARDATION, GENITAL AND EAR ANOMALIES; Coloboma, heart anomaly, choanal atresia, retardation, genital and ear anomalies; CHARGE association; Hall-Hittner syndrome. Identifiers: Orphanet 138, MedGen C0265354, MONDO:0008965.

Allele frequency attached by ClinVar (database versions not stated): gnomAD exomes below 0.00001.
gnomAD v4.1: 2 of 1,613,952 alleles (0.00012%); highest among the groups gnomAD compares: Non-Finnish European, 0.00017%; no homozygotes.

Submission:

Labcorp Genetics (formerly Invitae), Labcorp
Classification: Uncertain significance for CHARGE syndrome. Last evaluated: 2022-05-22. Review status: criteria provided, single submitter. Criteria: Invitae Variant Classification Sherloc (09022015). Collection method: clinical testing. Allele origin: germline.
Comment: This variant has not been reported in the literature in individuals affected with CHD7-related conditions. This variant is not present in population databases (gnomAD no frequency). This sequence change replaces serine, which is neutral and polar, with glycine, which is neutral and non-polar, at codon 2010 of the CHD7 protein (p.Ser2010Gly). Advanced modeling of protein sequence and biophysical properties (such as structural, functional, and spatial information, amino acid conservation, physicochemical variation, residue mobility, and thermodynamic stability) performed at Invitae indicates that this missense variant is expected to disrupt CHD7 protein function. In summary, the available evidence is currently insufficient to determine the role of this variant in disease. Therefore, it has been classified as a Variant of Uncertain Significance.

NM_017780.4(CHD7):c.6028A>G (p.Ser2010Gly)

Gene: CHD7 (chromodomain helicase DNA binding protein 7; plus strand). Cytogenetic location: 8q12.2.
Variant type: single nucleotide variant.
Coding change: c.6028A>G on transcript NM_017780.4 (MANE Select); coding-DNA position 6028, A replaced by G.
Protein change: p.Ser2010Gly; replaces serine 2010 with glycine.
Molecular consequence: missense variant. On other transcripts: intron variant (1).
Genome position (GRCh38, 1-based): chr8:60,852,631, A>G. VCF-style: chr8-60852631-A-G. GRCh37 (hg19) VCF-style: chr8-61765190-A-G.
Other names: c.1717-9598A>G (NM_001316690.1); short protein forms S2010G.
Identifiers: ClinVar variation 1994149 (VCV001994149.4), dbSNP rs781760755, ClinGen allele CA177353948.
Genomic context (GRCh38, chr8:60,852,631, plus strand): 5'-CAGCAATTTGACTGGAACCAATTTAGAGCCTTTGCCAGGCTTGACAAAAAATCTGATGAG[A>G]GTTTGGAGAAATACTTCAGTTGTTTTGTGGCCATGTGTAGGCGAGTATGTCGAATGCCCG-3'
Protein context (NP_060250.2, residues 2000-2020): FARLDKKSDE[Ser2010Gly]LEKYFSCFVA